The following is an entry in ClinVar:

ClinVar aggregate classification (germline): Conflicting classifications of pathogenicity. Review status: criteria provided, conflicting classifications (1 of 4 stars). 5 submissions from 5 submitters: Uncertain significance (4); Likely benign (1). Last evaluated 2026-03-20.

Conditions:
Hereditary cancer-predisposing syndrome. Also called: Tumor predisposition; Neoplastic Syndromes, Hereditary; Hereditary Cancer Syndrome; Hereditary neoplastic syndrome. Identifiers: Orphanet 140162, MedGen C0027672, MeSH D009386, MONDO:0015356.
Familial cancer of breast. Also called: Hereditary breast cancer; BREAST CANCER, FAMILIAL; hereditary breast carcinoma. Identifiers: Orphanet 227535, MedGen C0346153, MONDO:0016419, OMIM 114480. Disease mechanism: loss of function.

Submissions (5):

Women's Health and Genetics/Laboratory Corporation of America, LabCorp
Classification: Likely benign. Last evaluated: 2026-03-20. Review status: criteria provided, single submitter. Criteria: LabCorp Variant Classification Summary - May 2015. Collection method: clinical testing. Allele origin: germline.
Comment: Variant summary: CHEK2 c.1591G>C (p.Glu531Gln) results in a conservative amino acid change in the encoded protein sequence. Algorithms developed to predict the effect of missense changes on protein structure and function all suggest that this variant is likely to be tolerated. The variant allele was found at a frequency of 6.3e-07 in 1591044 control chromosomes (gnomAD). The available data on variant occurrences in the general population are insufficient to allow any conclusion about variant significance. To our knowledge, no occurrence of c.1591G>C in individuals affected with CHEK2-related conditions has been reported. Publications reported experimental evidence evaluating an impact on protein function and demonstrated no damaging effect of this variant (Delimitsou_2019, Stolarova_2023). The following publications have been ascertained in the context of this evaluation (PMID: 30851065, 37449874). ClinVar contains an entry for this variant (Variation ID: 141387). Based on the evidence outlined above, the variant was classified as likely benign.

Labcorp Genetics (formerly Invitae), Labcorp
Classification: Uncertain significance for Familial cancer of breast. Last evaluated: 2025-12-23. Review status: criteria provided, single submitter. Criteria: Invitae Variant Classification Sherloc (09022015). Collection method: clinical testing. Allele origin: germline.
Comment: This sequence change replaces glutamic acid, which is acidic and polar, with glutamine, which is neutral and polar, at codon 531 of the CHEK2 protein (p.Glu531Gln). This variant is not present in population databases (gnomAD no frequency). This variant has not been reported in the literature in individuals affected with CHEK2-related conditions. ClinVar contains an entry for this variant (Variation ID: 141387). An algorithm developed to predict the effect of missense changes on protein structure and function outputs the following: PolyPhen-2: "Benign". The glutamine amino acid residue is found in multiple mammalian species, which suggests that this missense change does not adversely affect protein function. Experimental studies have shown that this missense change does not substantially affect CHEK2 function (PMID: 30851065). In summary, the available evidence is currently insufficient to determine the role of this variant in disease. Therefore, it has been classified as a Variant of Uncertain Significance.

Color Diagnostics, LLC DBA Color Health
Classification: Uncertain significance for Hereditary cancer-predisposing syndrome. Last evaluated: 2024-09-30. Review status: criteria provided, single submitter. Criteria: ACMG Guidelines, 2015. Collection method: clinical testing. Allele origin: germline.
Comment: This missense variant replaces glutamic acid with glutamine at codon 531 of the CHEK2 protein. Computational prediction suggests that this variant may not impact protein structure and function. Experimental studies have demonstrated this variant was functional in a DNA damage repair assay (PMID: 30851065). This variant has not been reported in individuals affected with CHEK2-related disorders in the literature. This variant has not been identified in the general population by the Genome Aggregation Database (gnomAD). The available evidence is insufficient to determine the role of this variant in disease conclusively. Therefore, this variant is classified as a Variant of Uncertain Significance.

GeneDx
Classification: Uncertain significance. Last evaluated: 2023-08-23. Review status: criteria provided, single submitter. Criteria: GeneDx Variant Classification Process June 2021. Collection method: clinical testing. Allele origin: germline. Affected: yes.
Comment: Not observed at significant frequency in large population cohorts (gnomAD); In silico analysis supports that this missense variant does not alter protein structure/function; Published functional studies suggest no damaging effect: DNA damage response comparable to wild type (Delimitsou et al., 2019); This variant is associated with the following publications: (PMID: 21907711, 30851065)

Ambry Genetics
Classification: Uncertain significance for Hereditary cancer-predisposing syndrome. Last evaluated: 2021-05-21. Review status: criteria provided, single submitter. Criteria: Ambry Variant Classification Scheme 2023. Collection method: clinical testing. Allele origin: germline.
Comment: The p.E531Q variant (also known as c.1591G>C), located in coding exon 14 of the CHEK2 gene, results from a G to C substitution at nucleotide position 1591. The glutamic acid at codon 531 is replaced by glutamine, an amino acid with highly similar properties. This alteration behaved as functional in an in vivo, yeast-based growth rate assay (Delimitsou A et al. Hum Mutat, 2019 05;40:631-648). This amino acid position is not well conserved in available vertebrate species. In addition, this alteration is predicted to be tolerated by in silico analysis. Since supporting evidence is limited at this time, the clinical significance of this alteration remains unclear.

Literature cited by the submitters: PubMed 30851065 (cited by 4 submitters); PubMed 37449874 (cited by Women's Health and Genetics/Laboratory Corporation of America, LabCorp).

NM_007194.4(CHEK2):c.1591G>C (p.Glu531Gln)

Gene: CHEK2 (checkpoint kinase 2; minus strand). Cytogenetic location: 22q12.1.
Variant type: single nucleotide variant.
Coding change: c.1591G>C on transcript NM_007194.4 (MANE Select); coding-DNA position 1591, G replaced by C.
Protein change: p.Glu531Gln; replaces glutamic acid 531 with glutamine.
Molecular consequence: missense variant.
Genome position (GRCh38, 1-based): chr22:28,687,938, C>G on the plus strand (G>C on the coding strand, the complement: CHEK2 is on the minus strand). VCF-style: chr22-28687938-C-G. GRCh37 (hg19) VCF-style: chr22-29083926-C-G.
Other names: p.E531Q:GAG>CAG; c.1720G>C, p.Glu574Gln (NM_001005735.3); c.928G>C, p.Glu310Gln (NM_001257387.3); c.1390G>C, p.Glu464Gln (NM_001349956.3); c.1504G>C, p.Glu502Gln (NM_145862.3); short protein forms E531Q, E310Q, E464Q, E502Q, E574Q.
Identifiers: ClinVar variation 141387 (VCV000141387.21), dbSNP rs587781710, ClinGen allele CA294132.